The following is an entry in ClinVar:

NM_000044.6(AR):c.928_929del (p.Ser310fs)

Gene: AR (androgen receptor; plus strand). Cytogenetic location: Xq12.
Variant type: Deletion.
Coding change: c.928_929del on transcript NM_000044.6 (MANE Select); coding-DNA positions 928 to 929, 2 bases deleted (TC; older notation c.928_929delTC).
Protein change: p.Ser310fs; shifts the reading frame from serine 310.
Molecular consequence: frameshift variant. On other transcripts: 5 prime UTR variant (1).
Genome position (GRCh38, 1-based): chrX:67,546,074-67,546,075, TC deleted. VCF-style (leftmost placement, unchanged base first): chrX-67546073-TTC-T. GRCh37 (hg19) VCF-style: chrX-66765915-TTC-T.
Other names: c.928_929del, p.Ser310fs (NM_001348061.1, NM_001348063.1, NM_001348064.1); c.-856_-855del (NM_001011645.3); short protein forms S310fs.
Identifiers: ClinVar variation 3755704 (VCV003755704.2).

ClinVar aggregate classification (germline): Pathogenic (1 of 4 stars; one submission).

Conditions:
Kennedy disease (SMAX1). Also called: SPINAL AND BULBAR MUSCULAR ATROPHY, X-LINKED 1; KENNEDY SPINAL AND BULBAR MUSCULAR ATROPHY; Spinal and Bulbar Muscular Atrophy. Identifiers: Orphanet 481, MedGen C1839259, MONDO:0010735, OMIM 313200.
Androgen resistance syndrome (AIS). Also called: ANDROGEN RECEPTOR DEFICIENCY; DIHYDROTESTOSTERONE RECEPTOR DEFICIENCY; TESTICULAR FEMINIZATION SYNDROME; Androgen insensitivity syndrome; Androgen insensitivity; DHTR DEFICIENCY. Identifiers: Orphanet 754, Orphanet 99429, MedGen C0039585, MONDO:0019154, OMIM 300068. Disease mechanism: loss of function.

Submission:

Labcorp Genetics (formerly Invitae), Labcorp
Classification: Pathogenic for Kennedy disease; Androgen resistance syndrome. Last evaluated: 2024-04-04. Review status: criteria provided, single submitter. Criteria: Invitae Variant Classification Sherloc (09022015). Collection method: clinical testing. Allele origin: germline.
Comment: This sequence change creates a premature translational stop signal (p.Ser310Profs*30) in the AR gene. It is expected to result in an absent or disrupted protein product. Loss-of-function variants in AR are known to be pathogenic (PMID: 19463997). This variant is not present in population databases (gnomAD no frequency). This variant has not been reported in the literature in individuals affected with AR-related conditions. For these reasons, this variant has been classified as Pathogenic.

Literature cited by the submitters: PubMed 19463997.